The following is an entry in ClinVar:

ClinVar aggregate classification (germline): Likely benign. Review status: criteria provided, multiple submitters, no conflicts (2 of 4 stars). 2 submissions from 2 submitters: Likely benign (2). Last evaluated 2018-06-18.

Allele frequency attached by ClinVar (database versions not stated): gnomAD exomes 0.00132 and 0.00351; ExAC 0.00433; gnomAD 0.01383 and 0.01495; 1000 Genomes Project 0.01478; TOPMed 0.01544; 1000 Genomes Project 30x 0.01593; ESP Exome Variant Server 0.01615.
gnomAD v4.1: 4,113 of 1,595,028 alleles (0.26%); highest among the groups gnomAD compares: African/African-American, 4.9%; 84 homozygotes.

Submissions (2):

GeneDx
Classification: Likely benign. Last evaluated: 2018-06-18. Review status: criteria provided, single submitter. Criteria: GeneDx Variant Classification (06012015). Collection method: clinical testing. Allele origin: germline. Affected: yes.
Comment: This variant is considered likely benign or benign based on one or more of the following criteria: it is a conservative change, it occurs at a poorly conserved position in the protein, it is predicted to be benign by multiple in silico algorithms, and/or has population frequency not consistent with disease.

PreventionGenetics, part of Exact Sciences
Classification: Likely benign. Review status: criteria provided, single submitter. Criteria: ACMG Guidelines, 2015. Collection method: clinical testing. Allele origin: germline.

NM_004369.4(COL6A3):c.6690+39T>C

Gene: COL6A3 (collagen type VI alpha 3 chain; minus strand). Cytogenetic location: 2q37.3.
Variant type: single nucleotide variant.
Coding change: c.6690+39T>C on transcript NM_004369.4 (MANE Select); 39 bases into the intron after coding-DNA position 6690, T replaced by C.
Molecular consequence: intron variant.
Genome position (GRCh38, 1-based): chr2:237,353,302, A>G on the plus strand (T>C on the coding strand, the complement: COL6A3 is on the minus strand). VCF-style: chr2-237353302-A-G. GRCh37 (hg19) VCF-style: chr2-238261945-A-G.
Other names: c.4869+39T>C (NM_057166.5); c.6072+39T>C (NM_057167.4).
Identifiers: ClinVar variation 259312 (VCV000259312.2), dbSNP rs58342729, ClinGen allele CA2188133.